The following is an entry in ClinVar:

ClinVar aggregate classification (germline): Pathogenic/Likely pathogenic. Review status: criteria provided, multiple submitters, no conflicts (2 of 4 stars). 5 submissions from 5 submitters: Pathogenic (2); Likely pathogenic (3). Last evaluated 2026-02-05.

Conditions:
DNAI1-related disorders.
Primary ciliary dyskinesia. Also called: Ciliary dyskinesia. Identifiers: Orphanet 244, MedGen C0008780, MONDO:0016575, HP:0012265.
DNAI1-related disorder. Also called: DNAI1-related condition.
Kartagener syndrome (CILD1). Also called: CILIARY DYSKINESIA, PRIMARY, 1; IMMOTILE CILIA SYNDROME; CILIARY DYSKINESIA, PRIMARY, 1, WITH OR WITHOUT SITUS INVERSUS; Dextrocardia bronchiectasis and sinusitis; SIEWERT SYNDROME; POLYNESIAN BRONCHIECTASIS. Identifiers: Orphanet 244, MedGen C4551906, MONDO:0009484, OMIM 244400.

Allele frequency attached by ClinVar (database versions not stated): gnomAD 0.00001; ExAC 0.00002; gnomAD exomes 0.00002.
gnomAD v4.1: 10 of 1,611,418 alleles (0.00062%); highest among the groups gnomAD compares: Admixed American, 0.0067%; no homozygotes.

Submissions (5):

Clinical Genetics and Genomics, Karolinska University Hospital
Classification: Likely pathogenic for Kartagener syndrome. Last evaluated: 2026-02-05. Review status: criteria provided, single submitter. Criteria: ACMG Guidelines, 2015. Collection method: clinical testing. Allele origin: germline. Inheritance: Autosomal recessive inheritance. Affected: yes.

Myriad Genetics, Inc.
Classification: Likely pathogenic for Kartagener syndrome. Last evaluated: 2025-12-30. Review status: criteria provided, single submitter. Criteria: Myriad Autosomal Dominant, Autosomal Recessive and X-Linked Classification Criteria (2023). Collection method: clinical testing. Allele origin: unknown.
Comment: NM_012144.2(DNAI1):c.1019+5G>C is an intronic variant classified as likely pathogenic in the context of primary ciliary dyskinesia, DNAI1-related. c.1019+5G>C has been observed in cases with relevant disease (PMID: 29363216, 31772028). Relevant functional assessments of this variant are not available in the literature. c.1019+5G>C has been observed in referenced population frequency databases. In summary, NM_012144.2(DNAI1):c.1019+5G>C is an intronic variant that has been observed more frequently in cases with the relevant disease than in healthy populations. Please note: this variant was assessed in the context of healthy population screening.

Labcorp Genetics (formerly Invitae), Labcorp
Classification: Pathogenic for Primary ciliary dyskinesia. Last evaluated: 2023-11-27. Review status: criteria provided, single submitter. Criteria: Invitae Variant Classification Sherloc (09022015). Collection method: clinical testing. Allele origin: germline.
Comment: This sequence change falls in intron 11 of the DNAI1 gene. It does not directly change the encoded amino acid sequence of the DNAI1 protein. It affects a nucleotide within the consensus splice site. This variant is present in population databases (rs747121305, gnomAD 0.01%). This variant has been observed in individual(s) with DNAI1-related conditions (PMID: 31772028; Invitae). ClinVar contains an entry for this variant (Variation ID: 525418). Variants that disrupt the consensus splice site are a relatively common cause of aberrant splicing (PMID: 17576681, 9536098). Algorithms developed to predict the effect of sequence changes on RNA splicing suggest that this variant may disrupt the consensus splice site. For these reasons, this variant has been classified as Pathogenic.

PreventionGenetics, part of Exact Sciences
Classification: Likely pathogenic for DNAI1-related condition. Last evaluated: 2023-03-08. Review status: criteria provided, single submitter. Criteria: ACMG Guidelines, 2015. Collection method: clinical testing. Allele origin: germline.
Comment: The DNAI1 c.1019+5G>C variant is predicted to interfere with splicing. This variant has been reported in the compound heterozygous state in two siblings with primary ciliary dyskinesia (reported as c.1031+5G>T in Table 1, Paff. 2018. PubMed ID: 29363216) and found in the homozygous state in four individuals with primary ciliary dyskinesia (Table S3, Blanchon et al 2020. PubMed ID: 31772028). This variant is reported in 0.012% of alleles in individuals of Latino descent in gnomAD. In summary, this variant is interpreted as likely pathogenic .

Blueprint Genetics
Classification: Pathogenic for DNAI1-related disorders. Last evaluated: 2022-02-25. Review status: criteria provided, single submitter. Criteria: ACMG Guidelines, 2015. Collection method: clinical testing. Allele origin: germline. Affected: yes. Observed: 2 variant alleles.

Literature cited by the submitters: PubMed 29363216 (cited by Myriad Genetics, Inc.); PubMed 31772028 (cited by Myriad Genetics, Inc. and Labcorp Genetics (formerly Invitae), Labcorp); PubMed 17576681 (cited by Labcorp Genetics (formerly Invitae), Labcorp); PubMed 9536098 (cited by Labcorp Genetics (formerly Invitae), Labcorp).

NM_012144.4(DNAI1):c.1019+5G>C

Gene: DNAI1 (dynein axonemal intermediate chain 1; plus strand). Cytogenetic location: 9p13.3.
Variant type: single nucleotide variant.
Coding change: c.1019+5G>C on transcript NM_012144.4 (MANE Select); 5 bases into the intron after coding-DNA position 1019, G replaced by C.
Molecular consequence: intron variant.
Genome position (GRCh38, 1-based): chr9:34,500,844, G>C. VCF-style: chr9-34500844-G-C. GRCh37 (hg19) VCF-style: chr9-34500842-G-C.
Other names: c.1031+5G>C (NM_001281428.2).
Identifiers: ClinVar variation 525418 (VCV000525418.10), dbSNP rs747121305, ClinGen allele CA5034249.